The following is an entry in ClinVar:

NM_001292063.2(OTOG):c.8520T>A (p.Asn2840Lys)

Gene: OTOG (otogelin; plus strand). Cytogenetic location: 11p15.1.
Variant type: single nucleotide variant.
Coding change: c.8520T>A on transcript NM_001292063.2 (MANE Select); coding-DNA position 8520, T replaced by A.
Protein change: p.Asn2840Lys; replaces asparagine 2840 with lysine.
Molecular consequence: missense variant.
Genome position (GRCh38, 1-based): chr11:17,645,622, T>A. VCF-style: chr11-17645622-T-A. GRCh37 (hg19) VCF-style: chr11-17667169-T-A.
Other names: c.8556T>A, p.Asn2852Lys (NM_001277269.2); short protein forms N2840K, N2852K.
Identifiers: ClinVar variation 1481428 (VCV001481428.9), dbSNP rs754033112, ClinGen allele CA5906308.

ClinVar aggregate classification (germline): Uncertain significance. Review status: criteria provided, multiple submitters, no conflicts (2 of 4 stars). 2 submissions from 2 submitters: Uncertain significance (2). Last evaluated 2021-09-20.

Conditions:
Autosomal recessive nonsyndromic hearing loss 18B. Also called: Deafness, autosomal recessive 18b. Identifiers: Orphanet 90636, MedGen C3554163, MONDO:0013985, OMIM 614945.

Allele frequency attached by ClinVar (database versions not stated): gnomAD exomes 0.00002; ExAC 0.00006.

Submissions (2):

Labcorp Genetics (formerly Invitae), Labcorp
Classification: Uncertain significance. Last evaluated: 2021-09-20. Review status: criteria provided, single submitter. Criteria: Invitae Variant Classification Sherloc (09022015). Collection method: clinical testing. Allele origin: germline.
Comment: In summary, the available evidence is currently insufficient to determine the role of this variant in disease. Therefore, it has been classified as a Variant of Uncertain Significance. Algorithms developed to predict the effect of missense changes on protein structure and function are either unavailable or do not agree on the potential impact of this missense change (SIFT: "Tolerated"; PolyPhen-2: "Probably Damaging"; Align-GVGD: "Class C0"). This variant has not been reported in the literature in individuals affected with OTOG-related conditions. This variant is present in population databases (rs754033112, ExAC 0.01%). This sequence change replaces asparagine with lysine at codon 2852 of the OTOG protein (p.Asn2852Lys). The asparagine residue is highly conserved and there is a moderate physicochemical difference between asparagine and lysine.

Revvity Omics, Revvity
Classification: Uncertain significance for Autosomal recessive nonsyndromic hearing loss 18B. Last evaluated: 2019-02-28. Review status: criteria provided, single submitter. Criteria: ACMG Guidelines, 2015. Collection method: clinical testing. Allele origin: germline.